The following is an entry in ClinVar:

ClinVar aggregate classification (germline): Uncertain significance. Review status: criteria provided, multiple submitters, no conflicts (2 of 4 stars). 2 submissions from 2 submitters: Uncertain significance (2). Last evaluated 2023-01-08.

Conditions:
ACVR2B-related disorder. Also called: ACVR2B-related condition.
Heterotaxy, visceral, 4, autosomal (HTX4). Identifiers: Orphanet 450, MedGen C3151057, MONDO:0013403, OMIM 613751.

Submissions (2):

Labcorp Genetics (formerly Invitae), Labcorp
Classification: Uncertain significance for Heterotaxy, visceral, 4, autosomal. Last evaluated: 2023-01-08. Review status: criteria provided, single submitter. Criteria: Invitae Variant Classification Sherloc (09022015). Collection method: clinical testing. Allele origin: germline.
Comment: In summary, the available evidence is currently insufficient to determine the role of this variant in disease. Therefore, it has been classified as a Variant of Uncertain Significance. Algorithms developed to predict the effect of missense changes on protein structure and function are either unavailable or do not agree on the potential impact of this missense change (SIFT: "Deleterious"; PolyPhen-2: "Benign"; Align-GVGD: "Class C0"). This variant has not been reported in the literature in individuals affected with ACVR2B-related conditions. This variant is not present in population databases (gnomAD no frequency). This sequence change replaces glutamine, which is neutral and polar, with histidine, which is basic and polar, at codon 246 of the ACVR2B protein (p.Gln246His).

PreventionGenetics, part of Exact Sciences
Classification: Uncertain significance for ACVR2B-related condition. Last evaluated: 2022-11-21. Review status: criteria provided, single submitter. Criteria: ACMG Guidelines, 2015. Collection method: clinical testing. Allele origin: germline.
Comment: The ACVR2B c.738G>C variant is predicted to result in the amino acid substitution p.Gln246His. To our knowledge, this variant has not been reported in the literature or in a large population database, indicating this variant is rare. At this time, the clinical significance of this variant is uncertain due to the absence of conclusive functional and genetic evidence.

NM_001106.4(ACVR2B):c.738G>C (p.Gln246His)

Gene: ACVR2B (activin A receptor type 2B; plus strand). Cytogenetic location: 3p22.2.
Variant type: single nucleotide variant.
Coding change: c.738G>C on transcript NM_001106.4 (MANE Select); coding-DNA position 738, G replaced by C.
Protein change: p.Gln246His; replaces glutamine 246 with histidine.
Molecular consequence: missense variant.
Genome position (GRCh38, 1-based): chr3:38,479,199, G>C. VCF-style: chr3-38479199-G-C. GRCh37 (hg19) VCF-style: chr3-38520690-G-C.
Other names: short protein forms Q246H.
Identifiers: ClinVar variation 2628994 (VCV002628994.4), dbSNP rs749214138, ClinGen allele CA352131251.
Genomic context (GRCh38, chr3:38,479,199, plus strand): 5'-GTGGCAGAGTGAACGGGAGATCTTCAGCACACCTGGCATGAAGCACGAGAACCTGCTACA[G>C]TTCATTGCTGCCGAGAAGCGAGGCTCCAACCTCGAAGTAGAGCTGTGGCTCATCACGGCC-3'
Protein context (NP_001097.2, residues 236-256): TPGMKHENLL[Gln246His]FIAAEKRGSN